The following is an entry in ClinVar:

ClinVar aggregate classification (germline): Uncertain significance (1 of 4 stars; one submission).

Conditions:
Inborn genetic diseases. Identifiers: MedGen C0950123, MeSH D030342.

Submission:

Ambry Genetics
Classification: Uncertain significance for Inborn genetic diseases. Last evaluated: 2025-09-28. Review status: criteria provided, single submitter. Criteria: Ambry Variant Classification Scheme 2023. Collection method: clinical testing. Allele origin: germline.
Comment: The c.4494G>T (p.Q1498H) alteration is located in exon 30 (coding exon 30) of the CHD5 gene. This alteration results from a G to T substitution at nucleotide position 4494, causing the glutamine (Q) at amino acid position 1498 to be replaced by a histidine (H). Based on data from gnomAD, the T allele has an overall frequency of 0.001% (2/250158) total alleles studied. The highest observed frequency was 0.002% (2/113044) of European (non-Finnish) alleles. Based on insufficient or conflicting evidence, the clinical significance of this alteration remains unclear.

NM_015557.3(CHD5):c.4494G>T (p.Gln1498His)

Gene: CHD5 (chromodomain helicase DNA binding protein 5; minus strand). Cytogenetic location: 1p36.31.
Variant type: single nucleotide variant.
Coding change: c.4494G>T on transcript NM_015557.3 (MANE Select); coding-DNA position 4494, G replaced by T.
Protein change: p.Gln1498His; replaces glutamine 1498 with histidine.
Molecular consequence: missense variant.
Genome position (GRCh38, 1-based): chr1:6,124,562, C>A on the plus strand (G>T on the coding strand, the complement: CHD5 is on the minus strand). VCF-style: chr1-6124562-C-A. GRCh37 (hg19) VCF-style: chr1-6184622-C-A.
Other names: short protein forms Q1498H.
Identifiers: ClinVar variation 4614652 (VCV004614652.1).